The following is an entry in ClinVar:

ClinVar aggregate classification (germline): Likely pathogenic (1 of 4 stars; one submission).

Conditions:
Glycogen storage disease IV, classic hepatic. Also called: GSD IV, CLASSIC HEPATIC. Identifiers: MedGen C1856301.
Glycogen storage disease, type IV (GSD4). Also called: BRANCHER DEFICIENCY; AMYLOPECTINOSIS; ANDERSEN DISEASE; CIRRHOSIS, FAMILIAL, WITH DEPOSITION OF ABNORMAL GLYCOGEN; Glycogen storage disease due to glycogen branching enzyme deficiency; GBE1 DEFICIENCY. Identifiers: Orphanet 367, MedGen C0017923, MONDO:0009292, OMIM 232500.

Submission:

Labcorp Genetics (formerly Invitae), Labcorp
Classification: Likely pathogenic for Glycogen storage disease, type IV; Glycogen storage disease IV, classic hepatic. Last evaluated: 2022-08-21. Review status: criteria provided, single submitter. Criteria: Invitae Variant Classification Sherloc (09022015). Collection method: clinical testing. Allele origin: germline.
Comment: In summary, the currently available evidence indicates that the variant is pathogenic, but additional data are needed to prove that conclusively. Therefore, this variant has been classified as Likely Pathogenic. Algorithms developed to predict the effect of sequence changes on RNA splicing suggest that this variant may disrupt the consensus splice site. This variant has not been reported in the literature in individuals affected with GBE1-related conditions. This variant is not present in population databases (gnomAD no frequency). This sequence change affects an acceptor splice site in intron 5 of the GBE1 gene. It is expected to disrupt RNA splicing. Variants that disrupt the donor or acceptor splice site typically lead to a loss of protein function (PMID: 16199547), and loss-of-function variants in GBE1 are known to be pathogenic (PMID: 15452297, 20058079).

Literature cited by the submitters: PubMed 16199547; PubMed 15452297; PubMed 20058079.

NM_000158.4(GBE1):c.692-1G>A

Gene: GBE1 (1,4-alpha-glucan branching enzyme 1; minus strand). Cytogenetic location: 3p12.2.
Variant type: single nucleotide variant.
Coding change: c.692-1G>A on transcript NM_000158.4 (MANE Select); the canonical splice acceptor site of the intron before coding-DNA position 692, G replaced by A.
Molecular consequence: splice acceptor variant.
Genome position (GRCh38, 1-based): chr3:81,646,483, C>T on the plus strand (G>A on the coding strand, the complement: GBE1 is on the minus strand). VCF-style: chr3-81646483-C-T. GRCh37 (hg19) VCF-style: chr3-81695634-C-T.
Identifiers: ClinVar variation 2025870 (VCV002025870.4), dbSNP rs2471822543, ClinGen allele CA353688203.
Genomic context (GRCh38, chr3:81,646,483, plus strand): 5'-AACCAAAGCTGGCATAGTAAGCATGCTCCATGATTGCCATCAACTGAATGCAGTTGTATC[C>T]TATATAAGGCAATGGTCAAATCTAAATTAAAAGCCACATTTAAAAAAAAAGTAATGGGGA-3'